The following is an entry in ClinVar:

NM_015662.3(IFT172):c.2308A>C (p.Ile770Leu)

Gene: IFT172 (intraflagellar transport 172; minus strand). Cytogenetic location: 2p23.3.
Variant type: single nucleotide variant.
Coding change: c.2308A>C on transcript NM_015662.3 (MANE Select); coding-DNA position 2308, A replaced by C.
Protein change: p.Ile770Leu; replaces isoleucine 770 with leucine.
Molecular consequence: missense variant.
Genome position (GRCh38, 1-based): chr2:27,461,403, T>G on the plus strand (A>C on the coding strand, the complement: IFT172 is on the minus strand). VCF-style: chr2-27461403-T-G. GRCh37 (hg19) VCF-style: chr2-27684270-T-G.
Other names: c.2242A>C, p.Ile748Leu (NM_001410739.1); short protein forms I748L, I770L.
Identifiers: ClinVar variation 1805507 (VCV001805507.2), dbSNP rs145926013, ClinGen allele CA346384419.
Genomic context (GRCh38, chr2:27,461,403, plus strand): 5'-CTCGGGTCAGCACCAGCCGAGCAGCTTTGGCAGGGAGCCCAGCTTTGAGGTAGAGGCTGA[T>G]GGCTGCTAGCCCATCCCCTTGGCTCTCCTGTAGTTCACCTGCTCGCTCCTCTTGCTGTGT-3'
Protein context (NP_056477.1, residues 760-780): QESQGDGLAA[Ile770Leu]SLYLKAGLPA

ClinVar aggregate classification (germline): Uncertain significance. Review status: criteria provided, multiple submitters, no conflicts (2 of 4 stars). 2 submissions from 2 submitters: Uncertain significance (2). Last evaluated 2024-04-24.

Conditions:
Short-rib thoracic dysplasia 10 with or without polydactyly (SRTD10). Identifiers: Orphanet 474, MedGen C3810175, MONDO:0014284, OMIM 615630.
Retinitis pigmentosa 71 (RP71). Identifiers: Orphanet 791, MedGen C4225342, MONDO:0014618, OMIM 616394.
Bardet-Biedl syndrome 20. Identifiers: MedGen C4310707, MONDO:0023670, OMIM 619471, MONDO:0014926.

gnomAD v4.1: 2 of 1,614,220 alleles (0.00012%); highest among the groups gnomAD compares: Non-Finnish European, 0.00017%; no homozygotes.

Submissions (2):

Fulgent Genetics
Classification: Uncertain significance for Short-rib thoracic dysplasia 10 with or without polydactyly; Retinitis pigmentosa 71; Bardet-Biedl syndrome 20. Last evaluated: 2024-04-24. Review status: criteria provided, single submitter. Criteria: ACMG Guidelines, 2015. Collection method: clinical testing. Allele origin: germline.

Victorian Clinical Genetics Services, Murdoch Childrens Research Institute
Classification: Uncertain significance for Short-rib thoracic dysplasia 10 with or without polydactyly. Last evaluated: 2019-08-28. Review status: criteria provided, single submitter. Criteria: ACMG Guidelines, 2015. Collection method: clinical testing. Allele origin: germline. Inheritance: Autosomal recessive inheritance.
Comment: A heterozygous missense variant was identified, NM_015662.2(IFT172):c.2308A>C in exon 22 of 48 of the IFT172 gene. This substitution is predicted to create a minor amino acid change from isoleucine to leucine at position 770 of the protein, NP_056477.1(IFT172):p.(Ile770Leu). The isoleucine at this position has moderate conservation (100 vertebrates, UCSC), but is not situated in a known functional domain. In silico software predictions of the pathogenicity of this variant are conflicting (Polyphen, SIFT, CADD, Mutation Taster). The variant is present in the gnomAD population database at a frequency of 0.0004% (1 heterozygotes, 0 homozygotes). The variant has not been previously reported in a clinical testing setting. Based on information available at the time of curation, this variant has been classified as a VARIANT of UNCERTAIN SIGNIFICANCE (VUS).